The following is an entry in ClinVar:

ClinVar aggregate classification (germline): Uncertain significance (1 of 4 stars; one submission).

gnomAD v4.1: 5 of 1,613,878 alleles (0.00031%); highest among the groups gnomAD compares: Non-Finnish European, 0.00017%; no homozygotes.

Submission:

Labcorp Genetics (formerly Invitae), Labcorp
Classification: Uncertain significance. Last evaluated: 2023-01-24. Review status: criteria provided, single submitter. Criteria: Invitae Variant Classification Sherloc (09022015). Collection method: clinical testing. Allele origin: germline.
Comment: In summary, the available evidence is currently insufficient to determine the role of this variant in disease. Therefore, it has been classified as a Variant of Uncertain Significance. Advanced modeling of protein sequence and biophysical properties (such as structural, functional, and spatial information, amino acid conservation, physicochemical variation, residue mobility, and thermodynamic stability) performed at Invitae indicates that this missense variant is expected to disrupt C2CD3 protein function. This variant has not been reported in the literature in individuals affected with C2CD3-related conditions. This variant is present in population databases (rs748536133, gnomAD 0.01%). This sequence change replaces histidine, which is basic and polar, with proline, which is neutral and non-polar, at codon 539 of the C2CD3 protein (p.His539Pro).

NM_001286577.2(C2CD3):c.1616A>C (p.His539Pro)

Gene: C2CD3 (C2 domain containing 3 centriole elongation regulator; minus strand). Cytogenetic location: 11q13.4.
Variant type: single nucleotide variant.
Coding change: c.1616A>C on transcript NM_001286577.2 (MANE Select); coding-DNA position 1616, A replaced by C.
Protein change: p.His539Pro; replaces histidine 539 with proline.
Molecular consequence: missense variant.
Genome position (GRCh38, 1-based): chr11:74,114,498, T>G on the plus strand (A>C on the coding strand, the complement: C2CD3 is on the minus strand). VCF-style: chr11-74114498-T-G. GRCh37 (hg19) VCF-style: chr11-73825543-T-G.
Other names: c.1616A>C, p.His539Pro (NM_015531.6); short protein forms H539P.
Identifiers: ClinVar variation 2889783 (VCV002889783.3), dbSNP rs748536133, ClinGen allele CA6182903.